The following is an entry in ClinVar:

ClinVar aggregate classification (germline): Benign. Review status: criteria provided, single submitter (1 of 4 stars). 2 submissions from 2 submitters: Benign (1). 1 of the submissions does not count toward it. Last evaluated 2025-02-07.

Conditions:
Mitochondrial inheritance. Identifiers: MedGen C0887941, HP:0001427.
MELAS syndrome (MELAS). Also called: Juvenile myopathy, encephalopathy, lactic acidosis, stroke. Identifiers: Orphanet 550, MedGen C0162671, MONDO:0010789, OMIM 540000.

Submissions (2):

Mendelics
Classification: Benign for MELAS syndrome. Last evaluated: 2025-02-07. Review status: criteria provided, single submitter. Criteria: ACMG Guidelines, 2015. Collection method: clinical testing. Allele origin: unknown.
Comment: This variant is considered likely benign or benign based on one or more of the following: it is predicted to be benign by multiple in silico algorithms, and/or has population frequency not consistent with disease, and/or has normal protein function, and/or has lack of segregation with disease, and/or has been detected in co-occurrence with known pathogenic variant, and/or has lack of disease association in case-control studies, and/or is located in a region inconsistent with a known cause of pathogenicity. GnomAD 4.1.0 frequency 0.2662 homoplsmic/131 heteroplasmic

Department of Pediatrics, Division of Medical Genetics, Faculty of Medicine Ramathibodi Hospital, Mahidol University
Classification: Uncertain significance for Mitochondrial inheritance. Review status: no assertion criteria provided. Collection method: research. Allele origin: maternal. Inheritance: Mitochondrial inheritance. Affected: yes. Not counted in ClinVar's aggregate classification.

NC_012920.1:m.515AC[4]

Variant type: Microsatellite.
Genome position: chrM-513-GCA-G.
Identifiers: ClinVar variation 1344552 (VCV001344552.3), dbSNP rs78907894, ClinGen allele CA337095900.
Genomic context (GRCh38, chrMT:513, plus strand): 5'-TTTCCCCTCCCACTCCCATACTACTAATCTCATCAATACAACCCCCGCCCATCCTACCCA[GCA>G]CACACACACCGCTGCTAACCCCATACCCCGAACCAACCAAACCCCAAAGACACCCCCCAC-3'